The following is an entry in ClinVar:

NM_001379659.1(ZNF142):c.5398C>T (p.Arg1800Cys)

Gene: ZNF142 (zinc finger protein 142; minus strand). Cytogenetic location: 2q35.
Variant type: single nucleotide variant.
Coding change: c.5398C>T on transcript NM_001379659.1 (MANE Select); coding-DNA position 5398, C replaced by T.
Protein change: p.Arg1800Cys; replaces arginine 1800 with cysteine.
Molecular consequence: missense variant.
Genome position (GRCh38, 1-based): chr2:218,638,605, G>A on the plus strand (C>T on the coding strand, the complement: ZNF142 is on the minus strand). VCF-style: chr2-218638605-G-A. GRCh37 (hg19) VCF-style: chr2-219503328-G-A.
Other names: c.4798C>T, p.Arg1600Cys (NM_001366291.3, NM_001379662.1, NM_001105537.5); c.5398C>T, p.Arg1800Cys (NM_001379660.1, NM_001379661.1, NM_001366290.3); c.4309C>T, p.Arg1437Cys (NM_001366287.3, NM_001366288.3, NM_001366289.3); short protein forms R1437C, R1600C, R1800C.
Identifiers: ClinVar variation 2651886 (VCV002651886.24), dbSNP rs373369883, ClinGen allele CA2108526.

ClinVar aggregate classification (germline): Likely benign (1 of 4 stars; one submission).

Allele frequency attached by ClinVar (database versions not stated): TOPMed 0.00009; ESP Exome Variant Server 0.00023; gnomAD 0.00029; gnomAD exomes 0.00050; ExAC 0.00118; 1000 Genomes Project 30x 0.00187; 1000 Genomes Project 0.00240.
gnomAD v4.1: 775 of 1,613,972 alleles (0.048%); highest among the groups gnomAD compares: South Asian, 0.75%; 8 homozygotes.

Submission:

CeGaT Center for Human Genetics Tuebingen
Classification: Likely benign. Last evaluated: 2026-07-01. Review status: criteria provided, single submitter. Criteria: CeGaT Center For Human Genetics Tuebingen Variant Classification Criteria Version 2. Collection method: clinical testing. Allele origin: germline. Affected: yes. Observed: 2 variant alleles.
Comment: ZNF142: BS2